The following is an entry in ClinVar:

NC_000009.11:g.(?_214957)_(215049_?)dup

Genes: DOCK8 (dedicator of cytokinesis 8; plus strand), DOCK8-AS1 (DOCK8 antisense RNA 1; minus strand), LOC130001437 (ATAC-STARR-seq lymphoblastoid silent region 19722; plus strand). Cytogenetic location: 9p24.3.
Variant type: Duplication.
Identifiers: ClinVar variation 584102 (VCV000584102.1).

ClinVar aggregate classification (germline): Uncertain significance (1 of 4 stars; one submission).

Conditions:
Combined immunodeficiency due to DOCK8 deficiency (HIES2). Also called: DOCK8 Deficiency; Hyper-IgE recurrent infection syndrome, autosomal recessive; HIES autosomal recessive; HYPER-IgE RECURRENT INFECTION SYNDROME 2, AUTOSOMAL RECESSIVE; HYPER-IgE SYNDROME 2, AUTOSOMAL RECESSIVE, WITH RECURRENT INFECTIONS. Identifiers: Orphanet 217390, MedGen C4722305, MONDO:0009478, OMIM 243700.

Submission:

Labcorp Genetics (formerly Invitae), Labcorp
Classification: Uncertain significance for Hyperimmunoglobulin E recurrent infection syndrome, autosomal recessive. Last evaluated: 2018-03-02. Review status: criteria provided, single submitter. Criteria: Invitae Variant Classification Sherloc (09022015). Collection method: clinical testing. Allele origin: germline.
Comment: This variant is a gross duplication of the genomic region encompassing exon 1 of the DOCK8 gene. The 5' end of this event is unknown as it extends beyond the assayed region for this gene and therefore may encompass additional genes. The 3' boundary is likely confined to intron 1 of the DOCK8 gene. The exact location of this variant in the genome is unknown. This variant has not been reported in the literature in individuals with DOCK8-related disease. Experimental studies and prediction algorithms are not available for this variant, and the functional significance of the duplicated amino acids is currently unknown. In summary, the available evidence is currently insufficient to determine the role of this variant in disease. Therefore, it has been classified as a Variant of Uncertain Significance.